The following is an entry in ClinVar:

ClinVar aggregate classification (germline): Pathogenic. Review status: criteria provided, multiple submitters, no conflicts (2 of 4 stars). 2 submissions from 2 submitters: Pathogenic (2). Last evaluated 2025-10-25.

Conditions:
Polycystic kidney disease, adult type (PKD1). Also called: Polycystic Kidney Disease 1, Autosomal Dominant; Polycystic kidney disease 1; Polycystic kidney disease 1, severe; POLYCYSTIC KIDNEY DISEASE 1 WITH OR WITHOUT POLYCYSTIC LIVER DISEASE; POLYCYSTIC KIDNEY DISEASE, ADULT, TYPE I; Polycystic Kidney, Autosomal Dominant. Identifiers: MedGen C3149841, MONDO:0008263, OMIM 173900.

Submissions (2):

Department of Human Genetics, Hannover Medical School
Classification: Pathogenic for Polycystic kidney disease, adult type. Last evaluated: 2025-10-25. Review status: criteria provided, single submitter. Criteria: ACMG Guidelines, 2015. Collection method: clinical testing. Allele origin: germline. Affected: yes.
Comment: PVS1, PM2_Supporting, PP4_Strong

Fulgent Genetics
Classification: Pathogenic for Polycystic kidney disease, adult type. Last evaluated: 2024-05-03. Review status: criteria provided, single submitter. Criteria: ACMG Guidelines, 2015. Collection method: clinical testing. Allele origin: germline.

NM_001009944.3(PKD1):c.5437G>T (p.Gly1813Ter)

Gene: PKD1 (polycystin 1, transient receptor potential channel interacting; minus strand). Cytogenetic location: 16p13.3.
Variant type: single nucleotide variant.
Coding change: c.5437G>T on transcript NM_001009944.3 (MANE Select); coding-DNA position 5437, G replaced by T.
Protein change: p.Gly1813Ter; replaces glycine 1813 with a stop codon.
Molecular consequence: nonsense.
Genome position (GRCh38, 1-based): chr16:2,109,730, C>A on the plus strand (G>T on the coding strand, the complement: PKD1 is on the minus strand). VCF-style: chr16-2109730-C-A. GRCh37 (hg19) VCF-style: chr16-2159731-C-A.
Other names: c.5437G>T, p.Gly1813Ter (NM_000296.4); short protein forms G1813*.
Identifiers: ClinVar variation 3579444 (VCV003579444.2).
Genomic context (GRCh38, chr16:2,109,730, plus strand): 5'-TGCCCGTGGCCAGCTGCCCCCAAAAGGGCACAGAGGACCCGGCCGCCACGAAGCTGCCTC[C>A]GGGCTCGCTGGCCCTGATGCTGAGGCCACTCACAGGCACCTGCACATCCACTTCCACGGT-3'